The following is an entry in ClinVar:

ClinVar aggregate classification (germline): Uncertain significance (1 of 4 stars; one submission).

Conditions:
Inborn genetic diseases. Identifiers: MedGen C0950123, MeSH D030342.

Submission:

Ambry Genetics
Classification: Uncertain significance for Inborn genetic diseases. Last evaluated: 2025-04-06. Review status: criteria provided, single submitter. Criteria: Ambry Variant Classification Scheme 2023. Collection method: clinical testing. Allele origin: germline.
Comment: The p.R1226T variant (also known as c.3677G>C), located in coding exon 1 of the SAMD9 gene, results from a G to C substitution at nucleotide position 3677. The arginine at codon 1226 is replaced by threonine, an amino acid with similar properties. This amino acid position is conserved. In addition, this alteration is predicted to be tolerated by in silico analysis. Based on the available evidence, the clinical significance of this variant remains unclear.

NM_017654.4(SAMD9):c.3677G>C (p.Arg1226Thr)

Gene: SAMD9 (sterile alpha motif domain containing 9; minus strand). Cytogenetic location: 7q21.2.
Variant type: single nucleotide variant.
Coding change: c.3677G>C on transcript NM_017654.4 (MANE Select); coding-DNA position 3677, G replaced by C.
Protein change: p.Arg1226Thr; replaces arginine 1226 with threonine.
Molecular consequence: missense variant.
Genome position (GRCh38, 1-based): chr7:93,102,421, C>G on the plus strand (G>C on the coding strand, the complement: SAMD9 is on the minus strand). VCF-style: chr7-93102421-C-G. GRCh37 (hg19) VCF-style: chr7-92731734-C-G.
Other names: c.3677G>C, p.Arg1226Thr (NM_001193307.2); short protein forms R1226T.
Identifiers: ClinVar variation 3949518 (VCV003949518.1).